The following is an entry in ClinVar:

ClinVar aggregate classification (germline): Likely benign. Review status: criteria provided, single submitter (1 of 4 stars). 2 submissions from 2 submitters: Likely benign (1). 1 of the submissions does not count toward it. Last evaluated 2025-12-01.

Conditions:
DVL1-related disorder. Also called: DVL1-related condition.

Allele frequency attached by ClinVar (database versions not stated): TOPMed 0.00001; gnomAD 0.00005; gnomAD exomes 0.00006; ExAC 0.00036.
gnomAD v4.1: 100 of 1,594,520 alleles (0.0063%); highest among the groups gnomAD compares: South Asian, 0.099%; 2 homozygotes.

Submissions (2):

Labcorp Genetics (formerly Invitae), Labcorp
Classification: Likely benign. Last evaluated: 2025-12-01. Review status: criteria provided, single submitter. Criteria: Invitae Variant Classification Sherloc (09022015). Collection method: clinical testing. Allele origin: germline.

PreventionGenetics, part of Exact Sciences
Classification: Likely benign for DVL1-related condition. Last evaluated: 2024-08-08. Review status: no assertion criteria provided. Collection method: clinical testing. Allele origin: germline. Not counted in ClinVar's aggregate classification.
Comment: This variant is classified as likely benign based on ACMG/AMP sequence variant interpretation guidelines (Richards et al. 2015 PMID: 25741868, with internal and published modifications).

NM_001330311.2(DVL1):c.310C>T (p.Pro104Ser)

Gene: DVL1 (dishevelled segment polarity protein 1; minus strand). Cytogenetic location: 1p36.33.
Variant type: single nucleotide variant.
Coding change: c.310C>T on transcript NM_001330311.2 (MANE Select); coding-DNA position 310, C replaced by T.
Protein change: p.Pro104Ser; replaces proline 104 with serine.
Molecular consequence: missense variant.
Genome position (GRCh38, 1-based): chr1:1,342,415, G>A on the plus strand (C>T on the coding strand, the complement: DVL1 is on the minus strand). VCF-style: chr1-1342415-G-A. GRCh37 (hg19) VCF-style: chr1-1277795-G-A.
Other names: c.310C>T, p.Pro104Ser (NM_004421.3); c.310C>T (NM_004421.2); short protein forms P104S.
Identifiers: ClinVar variation 1989131 (VCV001989131.5), dbSNP rs776308675, ClinGen allele CA520754.